The following is an entry in ClinVar:

ClinVar aggregate classification (germline): Likely pathogenic (1 of 4 stars; one submission).

Conditions:
Rubinstein-Taybi syndrome due to CREBBP mutations (RSTS1). Also called: RUBINSTEIN-TAYBI SYNDROME 1, INCOMPLETE; BROAD THUMBS AND GREAT TOES, CHARACTERISTIC FACIES, AND IMPAIRED INTELLECTUAL DEVELOPMENT; CREBBP-Related Rubinstein-Taybi Syndrome; RUBINSTEIN SYNDROME; BROAD THUMB-HALLUX SYNDROME; Rubinstein-Taybi syndrome 1. Identifiers: Orphanet 353277, Orphanet 783, MedGen C4551859, MONDO:0008393, OMIM 180849.

Submission:

Illumina Laboratory Services, Illumina
Classification: Likely pathogenic for Rubinstein-Taybi syndrome due to CREBBP mutations. Last evaluated: 2021-02-24. Review status: criteria provided, single submitter. Criteria: ICSLVariantClassificationCriteria RUGD 01 April 2020. Collection method: clinical testing. Allele origin: unknown.
Comment: The CREBBP c.6388C>T (p.Gln2130Ter) variant is a stop-gained variant that is predicted to result in a premature termination of the protein. A literature search was performed for the gene, cDNA change, and amino acid change. No publications were found based on this search. This variant is not found in the Genome Aggregation Database in a region of good sequencing coverage, so the variant is presumed to be rare. Based on the predicted truncating nature of the variant and its rarity, the p.Gln2130Ter variant is classified as likely pathogenic for Rubinstein-Taybi syndrome.

NM_004380.3(CREBBP):c.6388C>T (p.Gln2130Ter)

Gene: CREBBP (CREB binding lysine acetyltransferase; minus strand). Cytogenetic location: 16p13.3.
Variant type: single nucleotide variant.
Coding change: c.6388C>T on transcript NM_004380.3 (MANE Select); coding-DNA position 6388, C replaced by T.
Protein change: p.Gln2130Ter; replaces glutamine 2130 with a stop codon.
Molecular consequence: nonsense.
Genome position (GRCh38, 1-based): chr16:3,728,659, G>A on the plus strand (C>T on the coding strand, the complement: CREBBP is on the minus strand). VCF-style: chr16-3728659-G-A. GRCh37 (hg19) VCF-style: chr16-3778660-G-A.
Other names: c.6274C>T, p.Gln2092Ter (NM_001079846.1); short protein forms Q2092*, Q2130*.
Identifiers: ClinVar variation 1199203 (VCV001199203.4), dbSNP rs2151304304, ClinGen allele CA394553500.